The following is an entry in ClinVar:

ClinVar aggregate classification (germline): Conflicting classifications of pathogenicity. Review status: criteria provided, conflicting classifications (1 of 4 stars). 7 submissions from 7 submitters: Uncertain significance (1); Likely benign (4). 2 of the submissions do not count toward it. Last evaluated 2026-01-29.

Conditions:
NDUFA11-related disorder. Also called: NDUFA11-related condition.
Mitochondrial complex I deficiency, nuclear type 1. Also called: NADH-COENZYME Q REDUCTASE DEFICIENCY; MITOCHONDRIAL NADH DEHYDROGENASE COMPONENT OF COMPLEX I, DEFICIENCY OF. Identifiers: MedGen C6022305, MONDO:0100224, OMIM 252010.

Allele frequency attached by ClinVar (database versions not stated): gnomAD 0.00029; ESP Exome Variant Server 0.00038; ExAC 0.00046; TOPMed 0.00052; 1000 Genomes Project 30x 0.00078; 1000 Genomes Project 0.00080.
gnomAD v4.1: 637 of 1,614,110 alleles (0.039%); highest among the groups gnomAD compares: Middle Eastern, 0.38%; 3 homozygotes.

Submissions (10):

Labcorp Genetics (formerly Invitae), Labcorp
Classification: Likely benign. Last evaluated: 2026-01-29. Review status: criteria provided, single submitter. Criteria: Invitae Variant Classification Sherloc (09022015). Collection method: clinical testing. Allele origin: germline.

Mayo Clinic Laboratories, Mayo Clinic
Classification: Likely benign. Last evaluated: 2025-04-02. Review status: criteria provided, single submitter. Criteria: ACMG Guidelines, 2015. Collection method: clinical testing. Allele origin: germline. Observed: 3 variant alleles.
Comment: BP4, BP7

CeGaT Center for Human Genetics Tuebingen
Classification: Likely benign. Last evaluated: 2022-03-01. Review status: criteria provided, single submitter. Criteria: CeGaT Center For Human Genetics Tuebingen Variant Classification Criteria Version 2. Collection method: clinical testing. Allele origin: germline. Affected: yes. Observed: 1 variant allele.
Comment: NDUFA11: BP4, BP7

GeneDx
Classification: Likely benign. Last evaluated: 2021-04-13. Review status: criteria provided, single submitter. Criteria: GeneDx Variant Classification Process June 2021. Collection method: clinical testing. Allele origin: germline. Affected: yes.

Illumina Laboratory Services, Illumina
Classification: Uncertain significance for Mitochondrial complex I deficiency, nuclear type 1. Last evaluated: 2018-01-13. Review status: criteria provided, single submitter. Criteria: ICSL Variant Classification Criteria 13 December 2019. Collection method: clinical testing. Allele origin: germline.

PreventionGenetics, part of Exact Sciences
Classification: Likely benign for NDUFA11-related condition. Last evaluated: 2022-07-06. Review status: no assertion criteria provided. Collection method: clinical testing. Allele origin: germline. Not counted in ClinVar's aggregate classification.
Comment: This variant is classified as likely benign based on ACMG/AMP sequence variant interpretation guidelines (Richards et al. 2015 PMID: 25741868, with internal and published modifications).

Department of Pathology and Laboratory Medicine, Sinai Health System
Classification: Uncertain significance. Review status: no assertion criteria provided. Collection method: clinical testing. Allele origin: unknown. Affected: yes. Study: The Canadian Open Genetics Repository (COGR). Not counted in ClinVar's aggregate classification.
Comment: The NDUFA11 p.Pro46Pro variant was not identified in the literature nor was it identified in Cosmic and LOVD 3.0 databases. The variant was identified in dbSNP (ID: rs138889960) as â€šÃ„ÃºWith Uncertain significance alleleâ€šÃ„Ã¹ and in ClinVar (conflicting interpretations of pathogenicity: likely benign by GeneDx and uncertain significance by Illumina Clinical Services Laboratory; associated phenotype of Mitochondrial complex I deficiency). The variant was identified in control databases in 137 of 282780 chromosomes (1 homozygous) at a frequency of 0.000484 increasing the likelihood this could be a low frequency benign variant (Genome Aggregation Database Feb 27, 2017). The variant was observed in the following populations: Latino in 49 of 35432 chromosomes (freq: 0.001383), Other in 9 of 7226 chromosomes (freq: 0.001246), South Asian in 15 of 30616 chromosomes (freq: 0.00049), European (non-Finnish) in 60 of 129174 chromosomes (freq: 0.000465), African in 3 of 24960 chromosomes (freq: 0.00012), East Asian in 1 of 19952 chromosomes (freq: 0.00005), while the variant was not observed in the Ashkenazi Jewish, European (Finnish), populations. The p.Pro46Pro variant is not expected to have clinical significance because it does not result in a change of amino acid and is not located in a known consensus splice site. The variant occurs outside of the splicing consensus sequence and 3 of 4 in silico or computational prediction software programs (SpliceSiteFinder, MaxEntScan, and GeneSplicer) predict a greater than 10% difference in splicing (creation of a 3â€šÃ„Ã´ splice site at c.139). However, this information is not predictive enough to assume pathogenicity. In summary, based on the above information the clinical significance of this variant cannot be determined with certainty at this time. This variant is classified as a variant of uncertain significance.

Dr. Peter K. Rogan Lab, Western University
No classification provided (evidence only). Condition: Clear cell carcinoma of kidney. Review status: no classification provided. Collection method: in vitro. Allele origin: not applicable. Functional consequence: retained intron. Not counted in ClinVar's aggregate classification.

Dr. Peter K. Rogan Lab, Western University
No classification provided (evidence only). Condition: Familial cancer of breast. Review status: no classification provided. Collection method: in vitro. Allele origin: not applicable. Functional consequence: retained intron. Not counted in ClinVar's aggregate classification.

Dr. Peter K. Rogan Lab, Western University
No classification provided (evidence only). Condition: Adrenocortical carcinoma, hereditary. Review status: no classification provided. Collection method: in vitro. Allele origin: not applicable. Functional consequence: retained intron. Not counted in ClinVar's aggregate classification.

NM_175614.5(NDUFA11):c.138G>A (p.Pro46=)

Gene: NDUFA11 (NADH:ubiquinone oxidoreductase subunit A11; minus strand). Cytogenetic location: 19p13.3.
Variant type: single nucleotide variant.
Coding change: c.138G>A on transcript NM_175614.5 (MANE Select); coding-DNA position 138, G replaced by A.
Protein change: p.Pro46=; no amino-acid change (proline 46 retained).
Molecular consequence: synonymous variant. On other transcripts: non-coding transcript variant (1).
Genome position (GRCh38, 1-based): chr19:5,896,957, C>T on the plus strand (G>A on the coding strand, the complement: NDUFA11 is on the minus strand). VCF-style: chr19-5896957-C-T. GRCh37 (hg19) VCF-style: chr19-5896968-C-T.
Other names: p.P46P:CCG>CCA; p.Pro46=; c.138G>A, p.Pro46= (NM_001193375.3).
Identifiers: ClinVar variation 214690 (VCV000214690.50), dbSNP rs138889960, ClinGen allele CA322939.